The following is an entry in ClinVar:

ClinVar aggregate classification (germline): Uncertain significance (1 of 4 stars; one submission).

Submission:

GeneDx
Classification: Uncertain significance. Last evaluated: 2022-04-07. Review status: criteria provided, single submitter. Criteria: GeneDx Variant Classification Process June 2021. Collection method: clinical testing. Allele origin: germline. Affected: yes.
Comment: Not observed at significant frequency in large population cohorts (gnomAD); In silico analysis supports that this missense variant does not alter protein structure/function; Has not been previously published as pathogenic or benign to our knowledge

NM_004456.5(EZH2):c.1136A>G (p.Glu379Gly)

Gene: EZH2 (enhancer of zeste 2 polycomb repressive complex 2 subunit; minus strand). Cytogenetic location: 7q36.1.
Variant type: single nucleotide variant.
Coding change: c.1136A>G on transcript NM_004456.5 (MANE Select); coding-DNA position 1136, A replaced by G.
Protein change: p.Glu379Gly; replaces glutamic acid 379 with glycine.
Molecular consequence: missense variant.
Genome position (GRCh38, 1-based): chr7:148,817,981, T>C on the plus strand (A>G on the coding strand, the complement: EZH2 is on the minus strand). VCF-style: chr7-148817981-T-C. GRCh37 (hg19) VCF-style: chr7-148515073-T-C.
Other names: c.1121A>G, p.Glu374Gly (NM_001203247.2); c.1094A>G, p.Glu365Gly (NM_001203248.2, NM_001203249.2); c.1004A>G, p.Glu335Gly (NM_152998.3); short protein forms E335G, E365G, E374G, E379G.
Identifiers: ClinVar variation 1708597 (VCV001708597.2), dbSNP rs2536686683, ClinGen allele CA369716414.
Genomic context (GRCh38, chr7:148,817,981, plus strand): 5'-TCATTGTTCTCTCCCCCCGTTTCAGTCCCTGCTTCCCTATCACTGTCTGTATCCTTTGAT[T>C]CCAGCACATTAATGGTGGGGGTGCTGGGCCTGCTACTGTTATTGGGAAGCCGTCCTCTTC-3'
Protein context (NP_004447.2, residues 369-389): RPSTPTINVL[Glu379Gly]SKDTDSDREA